The following is an entry in ClinVar:

NM_001034116.2(EIF2B4):c.*1C>T

Genes: EIF2B4 (eukaryotic translation initiation factor 2B subunit delta; minus strand), GTF3C2-AS2 (GTF3C2 antisense RNA 2; plus strand). Cytogenetic location: 2p23.3.
Variant type: single nucleotide variant.
Coding change: c.*1C>T on transcript NM_001034116.2 (MANE Select); 1 bases downstream of the stop codon, C replaced by T.
Molecular consequence: 3 prime UTR variant.
Genome position (GRCh38, 1-based): chr2:27,364,399, G>A on the plus strand (C>T on the coding strand, the complement: EIF2B4 is on the minus strand). VCF-style: chr2-27364399-G-A. GRCh37 (hg19) VCF-style: chr2-27587266-G-A.
Other names: c.*1C>T (NM_001034116.1, NM_001318965.2, NM_001318966.2 and 5 more transcripts).
Identifiers: ClinVar variation 335531 (VCV000335531.15), dbSNP rs41288827, ClinGen allele CA1576548.

ClinVar aggregate classification (germline): Benign. Review status: criteria provided, multiple submitters, no conflicts (2 of 4 stars). 5 submissions from 5 submitters: Benign (4). 1 of the submissions does not count toward it. Last evaluated 2026-09-01.

Conditions:
EIF2B4-related disorder. Also called: EIF2B4-related condition.
Vanishing white matter disease. Also called: CACH syndrome; Childhood ataxia with diffuse central nervous system hypomyelination; Leukoencephalopathy with vanishing white matter; CACH/VWM syndrome; Cree leukoencehalopathy. Identifiers: Orphanet 135, Orphanet 99853, MedGen C1858991, MONDO:0800448.

Allele frequency attached by ClinVar (database versions not stated): 1000 Genomes Project 30x 0.00453; 1000 Genomes Project 0.00479; TOPMed 0.00980; gnomAD 0.01042; ESP Exome Variant Server 0.01322.
gnomAD v4.1: 23,478 of 1,613,786 alleles (1.5%); highest among the groups gnomAD compares: Non-Finnish European, 1.8%; 203 homozygotes.

Submissions (5):

CeGaT Center for Human Genetics Tuebingen
Classification: Benign. Last evaluated: 2026-09-01. Review status: criteria provided, single submitter. Criteria: CeGaT Center For Human Genetics Tuebingen Variant Classification Criteria Version 2. Collection method: clinical testing. Allele origin: germline. Affected: yes. Observed: 19 variant alleles.
Comment: EIF2B4: BS1, BS2

Mayo Clinic Laboratories, Mayo Clinic
Classification: Benign. Last evaluated: 2023-06-16. Review status: criteria provided, single submitter. Criteria: ACMG Guidelines, 2015. Collection method: clinical testing. Allele origin: germline. Observed: 11 variant alleles.
Comment: BS1, BS2

Illumina Laboratory Services, Illumina
Classification: Benign for Leukoencephalopathy with vanishing white matter 1. Last evaluated: 2018-01-13. Review status: criteria provided, single submitter. Criteria: ICSL Variant Classification Criteria 13 December 2019. Collection method: clinical testing. Allele origin: germline.
Comment: This variant was observed in the ICSL laboratory as part of a predisposition screen in an ostensibly healthy population. It had not been previously curated by ICSL or reported in the Human Gene Mutation Database (HGMD: prior to June 1st, 2018), and was therefore a candidate for classification through an automated scoring system. Utilizing variant allele frequency, disease prevalence and penetrance estimates, and inheritance mode, an automated score was calculated to assess if this variant is too frequent to cause the disease. Based on the score and internal cut-off values, a variant classified as benign is not then subjected to further curation. The score for this variant resulted in a classification of benign for this disease.

Breakthrough Genomics
Classification: Benign. Review status: criteria provided, single submitter. Criteria: ACMG Guidelines, 2015. Collection method: not provided. Allele origin: germline. Inheritance: Autosomal recessive inheritance. Affected: yes.

PreventionGenetics, part of Exact Sciences
Classification: Benign for EIF2B4-related condition. Last evaluated: 2023-09-13. Review status: no assertion criteria provided. Collection method: clinical testing. Allele origin: germline. Not counted in ClinVar's aggregate classification.
Comment: This variant is classified as benign based on ACMG/AMP sequence variant interpretation guidelines (Richards et al. 2015 PMID: 25741868, with internal and published modifications).